The following is an entry in ClinVar:

NM_203447.4(DOCK8):c.3880C>G (p.Arg1294Gly)

Gene: DOCK8 (dedicator of cytokinesis 8; plus strand). Cytogenetic location: 9p24.3.
Variant type: single nucleotide variant.
Coding change: c.3880C>G on transcript NM_203447.4 (MANE Select); coding-DNA position 3880, C replaced by G.
Protein change: p.Arg1294Gly; replaces arginine 1294 with glycine.
Molecular consequence: missense variant.
Genome position (GRCh38, 1-based): chr9:420,440, C>G. VCF-style: chr9-420440-C-G. GRCh37 (hg19) VCF-style: chr9-420440-C-G.
Other names: c.3580C>G, p.Arg1194Gly (NM_001190458.2); c.3676C>G, p.Arg1226Gly (NM_001193536.2); short protein forms R1194G, R1226G, R1294G.
Identifiers: ClinVar variation 1463701 (VCV001463701.8), dbSNP rs1281735732, ClinGen allele CA372763709.

ClinVar aggregate classification (germline): Uncertain significance (1 of 4 stars; one submission).

Conditions:
Combined immunodeficiency due to DOCK8 deficiency (HIES2). Also called: HIES autosomal recessive; Hyper-IgE recurrent infection syndrome, autosomal recessive; HYPER-IgE SYNDROME 2, AUTOSOMAL RECESSIVE, WITH RECURRENT INFECTIONS; HYPER-IgE RECURRENT INFECTION SYNDROME 2, AUTOSOMAL RECESSIVE; DOCK8 Deficiency. Identifiers: Orphanet 217390, MedGen C4722305, MONDO:0009478, OMIM 243700.

Submission:

Labcorp Genetics (formerly Invitae), Labcorp
Classification: Uncertain significance for Combined immunodeficiency due to DOCK8 deficiency. Last evaluated: 2020-11-22. Review status: criteria provided, single submitter. Criteria: Invitae Variant Classification Sherloc (09022015). Collection method: clinical testing. Allele origin: germline.
Comment: In summary, the available evidence is currently insufficient to determine the role of this variant in disease. Therefore, it has been classified as a Variant of Uncertain Significance. Algorithms developed to predict the effect of missense changes on protein structure and function (SIFT, PolyPhen-2, Align-GVGD) all suggest that this variant is likely to be disruptive, but these predictions have not been confirmed by published functional studies and their clinical significance is uncertain. This variant has not been reported in the literature in individuals with DOCK8-related conditions. This variant is not present in population databases (ExAC no frequency). This sequence change replaces arginine with glycine at codon 1294 of the DOCK8 protein (p.Arg1294Gly). The arginine residue is highly conserved and there is a moderate physicochemical difference between arginine and glycine.